The following is an entry in ClinVar:

NM_001851.6(COL9A1):c.1202C>A (p.Thr401Lys)

Gene: COL9A1 (collagen type IX alpha 1 chain; minus strand). Cytogenetic location: 6q13.
Variant type: single nucleotide variant.
Coding change: c.1202C>A on transcript NM_001851.6 (MANE Select); coding-DNA position 1202, C replaced by A.
Protein change: p.Thr401Lys; replaces threonine 401 with lysine.
Molecular consequence: missense variant. On other transcripts: non-coding transcript variant (1).
Genome position (GRCh38, 1-based): chr6:70,269,661, G>T on the plus strand (C>A on the coding strand, the complement: COL9A1 is on the minus strand). VCF-style: chr6-70269661-G-T. GRCh37 (hg19) VCF-style: chr6-70979364-G-T.
Other names: c.473C>A, p.Thr158Lys (NM_001377289.1, NM_001377290.1, NM_078485.4); short protein forms T158K, T401K.
Identifiers: ClinVar variation 1315868 (VCV001315868.9), dbSNP rs376664058, ClinGen allele CA3882337.

ClinVar aggregate classification (germline): Conflicting classifications of pathogenicity. Review status: criteria provided, conflicting classifications (1 of 4 stars). 2 submissions from 2 submitters: Uncertain significance (1); Likely benign (1). Last evaluated 2025-08-31.

Allele frequency attached by ClinVar (database versions not stated): gnomAD 0.00005 and 0.00007; gnomAD exomes 0.00007; ESP Exome Variant Server 0.00008; TOPMed 0.00008; ExAC 0.00013.
gnomAD v4.1: 62 of 1,583,628 alleles (0.0039%); highest among the groups gnomAD compares: Non-Finnish European, 0.0049%; no homozygotes.

Submissions (2):

Labcorp Genetics (formerly Invitae), Labcorp
Classification: Likely benign. Last evaluated: 2025-08-31. Review status: criteria provided, single submitter. Criteria: Invitae Variant Classification Sherloc (09022015). Collection method: clinical testing. Allele origin: germline.

GeneDx
Classification: Uncertain significance. Last evaluated: 2019-10-15. Review status: criteria provided, single submitter. Criteria: GeneDx Variant Classification Process June 2021. Collection method: clinical testing. Allele origin: germline. Affected: yes.
Comment: Has not been previously published as pathogenic or benign to our knowledge; In silico analysis, which includes protein predictors and evolutionary conservation, supports that this variant does not alter protein structure/function